The following is an entry in ClinVar:

ClinVar aggregate classification (germline): Uncertain significance (1 of 4 stars; one submission).

Conditions:
Hereditary spastic paraplegia 8 (SPG8). Also called: SPASTIC PARAPLEGIA 8, AUTOSOMAL DOMINANT. Identifiers: Orphanet 100989, MedGen C1863704, MONDO:0011339, OMIM 603563.
Ritscher-Schinzel syndrome. Also called: CRANIOCEREBELLOCARDIAC DYSPLASIA. Identifiers: Orphanet 7, MedGen C0796137, MONDO:0019078.

Allele frequency attached by ClinVar (database versions not stated): TOPMed below 0.00001.

Submission:

Labcorp Genetics (formerly Invitae), Labcorp
Classification: Uncertain significance for Ritscher-Schinzel syndrome; Hereditary spastic paraplegia 8. Last evaluated: 2020-01-13. Review status: criteria provided, single submitter. Criteria: Invitae Variant Classification Sherloc (09022015). Collection method: clinical testing. Allele origin: germline.
Comment: In summary, the available evidence is currently insufficient to determine the role of this variant in disease. Therefore, it has been classified as a Variant of Uncertain Significance. Nucleotide substitutions within the consensus splice site are a relatively common cause of aberrant splicing (PMID: 17576681, 9536098). Algorithms developed to predict the effect of sequence changes on RNA splicing suggest that this variant may disrupt the consensus splice site, but this prediction has not been confirmed by published transcriptional studies. Algorithms developed to predict the effect of missense changes on protein structure and function (SIFT, PolyPhen-2, Align-GVGD) all suggest that this variant is likely to be tolerated, but these predictions have not been confirmed by published functional studies and their clinical significance is uncertain. This variant has not been reported in the literature in individuals with WASHC5-related conditions. This variant is not present in population databases (ExAC no frequency). This sequence change replaces serine with asparagine at codon 1112 of the WASHC5 protein (p.Ser1112Asn). The serine residue is moderately conserved and there is a small physicochemical difference between serine and asparagine. This variant also falls at the last nucleotide of exon 27 of the WASHC5 coding sequence, which is part of the consensus splice site for this exon.

Literature cited by the submitters: PubMed 17576681; PubMed 9536098.

NM_014846.4(WASHC5):c.3335G>A (p.Ser1112Asn)

Genes: WASHC5 (WASH complex subunit 5; minus strand), LOC126860498 (P300/CBP strongly-dependent group 1 enhancer GRCh37_chr8:126043836-126045035; plus strand). Cytogenetic location: 8q24.13.
Variant type: single nucleotide variant.
Coding change: c.3335G>A on transcript NM_014846.4 (MANE Select); coding-DNA position 3335, G replaced by A.
Protein change: p.Ser1112Asn; replaces serine 1112 with asparagine.
Molecular consequence: missense variant.
Genome position (GRCh38, 1-based): chr8:125,032,241, C>T on the plus strand (G>A on the coding strand, the complement: WASHC5 is on the minus strand). VCF-style: chr8-125032241-C-T. GRCh37 (hg19) VCF-style: chr8-126044483-C-T.
Other names: c.2891G>A, p.Ser964Asn (NM_001330609.2); short protein forms S1112N, S964N.
Identifiers: ClinVar variation 1056637 (VCV001056637.10), dbSNP rs1324512839, ClinGen allele CA372180855.
Genomic context (GRCh38, chr8:125,032,241, plus strand): 5'-GAGGTTTAAGTTAGGTTTTGTGACAAGAAGTCCCACGTAGTCCTGGTTGGTCTTCTGTAC[C>T]TTGTACACTGCTCCACCGTGGAGCAGATAAACTGGCCAATCAGCGCCAGGAACTGCTCGG-3'
Protein context (NP_055661.3, residues 1102-1122): FICSTVEQCT[Ser1112Asn]QKIPEIPADV